The following is an entry in ClinVar:

NM_014714.4(IFT140):c.2542C>T (p.Arg848Cys)

Gene: IFT140 (intraflagellar transport 140; minus strand). Cytogenetic location: 16p13.3.
Variant type: single nucleotide variant.
Coding change: c.2542C>T on transcript NM_014714.4 (MANE Select); coding-DNA position 2542, C replaced by T.
Protein change: p.Arg848Cys; replaces arginine 848 with cysteine.
Molecular consequence: missense variant.
Genome position (GRCh38, 1-based): chr16:1,526,654, G>A on the plus strand (C>T on the coding strand, the complement: IFT140 is on the minus strand). VCF-style: chr16-1526654-G-A. GRCh37 (hg19) VCF-style: chr16-1576655-G-A.
Other names: short protein forms R848C.
Identifiers: ClinVar variation 284345 (VCV000284345.29), dbSNP rs201384469, ClinGen allele CA7813593.

ClinVar aggregate classification (germline): Conflicting classifications of pathogenicity. Review status: criteria provided, conflicting classifications (1 of 4 stars). 9 submissions from 9 submitters: Uncertain significance (5); Likely benign (3). 1 of the submissions does not count toward it. Last evaluated 2026-08-06.

Conditions:
IFT140-related disorder. Also called: IFT140-related condition.
Retinal dystrophy. Also called: Inherited retinal dystrophy. Identifiers: Orphanet 71862, MedGen C0854723, MeSH D058499, MONDO:0019118, HP:0000556.
Saldino-Mainzer syndrome (SRTD9). Also called: Renal dysplasia, retinal pigmentary dystrophy, cerebellar ataxia and skeletal dysplasia; SHORT-RIB THORACIC DYSPLASIA 9 WITHOUT POLYDACTYLY; short-rib thoracic dysplasia 9 with or without polydactyly; CONORENAL SYNDROME. Identifiers: Orphanet 140969, MedGen C1849437, MONDO:0009964, OMIM 266920.
Microcephaly. Also called: Microcephaly (disease). Identifiers: MedGen C4551563, MONDO:0001149, HP:0000252.

Allele frequency attached by ClinVar (database versions not stated): gnomAD 0.00009 and 0.00013; TOPMed 0.00018; gnomAD exomes 0.00028; ExAC 0.00046; 1000 Genomes Project 30x 0.00078; 1000 Genomes Project 0.00100.
gnomAD v4.1: 165 of 1,590,834 alleles (0.01%); highest among the groups gnomAD compares: East Asian, 0.25%; no homozygotes.

Submissions (9):

PreventionGenetics, part of Exact Sciences
Classification: Uncertain significance for IFT140-related condition. Last evaluated: 2026-08-06. Review status: criteria provided, single submitter. Criteria: ACMG Guidelines, 2015. Collection method: clinical testing. Allele origin: germline.
Comment: The IFT140 c.2542C>T variant is predicted to result in the amino acid substitution p.Arg848Cys. This variant was reported along with a second potentially causative variant in this gene in an individual with retinitis pigmentosa (Chen. 2019. PubMed ID: 31872526). This variant is reported in 0.33% of alleles in individuals of East Asian descent in gnomAD, which may be too common to be a primary cause of disease. Although we suspect that this variant may be benign, at this time, the clinical significance of this variant is uncertain due to the absence of conclusive functional and genetic evidence.

Labcorp Genetics (formerly Invitae), Labcorp
Classification: Likely benign for Saldino-Mainzer syndrome. Last evaluated: 2026-01-24. Review status: criteria provided, single submitter. Criteria: Invitae Variant Classification Sherloc (09022015). Collection method: clinical testing. Allele origin: germline.

CeGaT Center for Human Genetics Tuebingen
Classification: Likely benign. Last evaluated: 2026-01-01. Review status: criteria provided, single submitter. Criteria: CeGaT Center For Human Genetics Tuebingen Variant Classification Criteria Version 2. Collection method: clinical testing. Allele origin: germline. Affected: yes. Observed: 1 variant allele.
Comment: IFT140: BP4

Blueprint Genetics
Classification: Uncertain significance. Last evaluated: 2024-11-01. Review status: criteria provided, single submitter. Criteria: ACMG Guidelines, 2015. Collection method: clinical testing. Allele origin: germline.

Dept Of Ophthalmology, Nagoya University
Classification: Uncertain significance for Retinal dystrophy. Last evaluated: 2023-10-01. Review status: criteria provided, single submitter. Criteria: Submitter's publication. Collection method: research. Allele origin: germline. Affected: yes.

GeneDx
Classification: Uncertain significance. Last evaluated: 2019-08-08. Review status: criteria provided, single submitter. Criteria: GeneDx Variant Classification Process June 2021. Collection method: clinical testing. Allele origin: germline. Affected: yes.
Comment: In silico analysis, which includes protein predictors and evolutionary conservation, supports a deleterious effect; Has not been previously published as pathogenic or benign to our knowledge; This variant is associated with the following publications: (PMID: 31872526)

Illumina Laboratory Services, Illumina
Classification: Likely benign for Saldino-Mainzer syndrome. Last evaluated: 2018-01-12. Review status: criteria provided, single submitter. Criteria: ICSL Variant Classification Criteria 13 December 2019. Collection method: clinical testing. Allele origin: germline.
Comment: This variant was observed in the ICSL laboratory as part of a predisposition screen in an ostensibly healthy population. It had not been previously curated by ICSL or reported in the Human Gene Mutation Database (HGMD: prior to June 1st, 2018), and was therefore a candidate for classification through an automated scoring system. Utilizing variant allele frequency, disease prevalence and penetrance estimates, and inheritance mode, an automated score was calculated to assess if this variant is too frequent to cause the disease. Based on the score and internal cut-off values, a variant classified as likely benign is not then subjected to further curation. The score for this variant resulted in a classification of likely benign for this disease.

Eurofins Ntd Llc (ga)
Classification: Uncertain significance. Last evaluated: 2015-11-06. Review status: criteria provided, single submitter. Criteria: EGL Classification Definitions 2015. Collection method: clinical testing. Allele origin: germline. Observed: 1 variant allele, 1 heterozygote.

Department of Pediatrics, Samsung Medical Center, Samsung Medical Center
Classification: Uncertain significance for Microcephaly. Review status: no assertion criteria provided. Criteria: ACMG Guidelines, 2015. Collection method: research. Allele origin: germline. Affected: yes. Not counted in ClinVar's aggregate classification.